The following is an entry in ClinVar:

ClinVar aggregate classification (germline): Pathogenic. Review status: criteria provided, multiple submitters, no conflicts (2 of 4 stars). 5 submissions from 5 submitters: Pathogenic (4). 1 of the submissions does not count toward it. Last evaluated 2025-05-06.

Conditions:
Developmental and epileptic encephalopathy 94 (DEE94). Also called: Epileptic encephalopathy, childhood-onset; CHD2-Related Neurodevelopmental Disorders. Identifiers: Orphanet 1942, Orphanet 2382, MedGen C3809278, MONDO:0014150, OMIM 615369.

Submissions (5):

Variantyx, Inc.
Classification: Pathogenic for Developmental and epileptic encephalopathy 94. Last evaluated: 2025-05-06. Review status: criteria provided, single submitter. Criteria: Variantyx Assertion Criteria 2022. Collection method: clinical testing. Allele origin: de novo. Inheritance: Autosomal dominant inheritance. Affected: yes.
Comment: This is a nonsense variant in the CHD2 gene (OMIM: 602119). Pathogenic variants in this gene have been associated with autosomal dominant developmental and epileptic encephalopathy 94. Ther alteration introduces a premature termination codon in exon 4 out of 39 and is expected to result in loss of function, which is a known disease mechanism for CHD2 in this disorder (PMID: 29740950) (PVS1). This variant is absent from control populations (PM2). Based on the current evidence, this variant is classified as pathogenic for autosomal dominant developmental and epileptic encephalopathy 94.

Labcorp Genetics (formerly Invitae), Labcorp
Classification: Pathogenic for Developmental and epileptic encephalopathy 94. Last evaluated: 2023-01-31. Review status: criteria provided, single submitter. Criteria: Invitae Variant Classification Sherloc (09022015). Collection method: clinical testing. Allele origin: germline.
Comment: For these reasons, this variant has been classified as Pathogenic. ClinVar contains an entry for this variant (Variation ID: 60712). This premature translational stop signal has been observed in individual(s) with epileptic encephalopathy (PMID: 23708187, 29455050). This variant is not present in population databases (gnomAD no frequency). This sequence change creates a premature translational stop signal (p.Arg121*) in the CHD2 gene. It is expected to result in an absent or disrupted protein product. Loss-of-function variants in CHD2 are known to be pathogenic (PMID: 23708187, 24207121).

GeneDx
Classification: Pathogenic. Last evaluated: 2022-10-10. Review status: criteria provided, single submitter. Criteria: GeneDx Variant Classification Process June 2021. Collection method: clinical testing. Allele origin: germline. Affected: yes.
Comment: Identified in a patient with epileptic encephalopathy in the published literature (PMID 29455050); Nonsense variant predicted to result in protein truncation or nonsense mediated decay in a gene for which loss of function is a known mechanism of disease; Not observed at significant frequency in large population cohorts (gnomAD); This variant is associated with the following publications: (PMID: 29455050, 24207121, 23708187)

Center for Genomics, Ann and Robert H. Lurie Children's Hospital of Chicago
Classification: Pathogenic for Developmental and epileptic encephalopathy 94. Last evaluated: 2021-11-11. Review status: criteria provided, single submitter. Criteria: ACMG Guidelines, 2015. Collection method: clinical testing. Allele origin: germline.
Comment: CHD2 NM_001271 exon 4 p.Arg121* (c.361C>T): This variant has been reported in the literature as de novo in 1 individual with epileptic encephalopathy (Carvill 2013 PMID:23708187). This variant is not present in large control databases. Evolutionary conservation and computational predictive tools for this variant are limited or unavailable. This variant is predicted to cause a stopgain at this codon, resulting in protein truncation or loss of allelic expression through nonsense-mediated mRNA decay. Loss of function has been suggested as a mechanism of disease for this gene (Carvill 2013 PMID:23708187). In summary, this variant is classified as likely pathogenic based on the data above (predicted impact to protein etc., presence as a de novo in literature).

OMIM
Classification: Pathogenic for DEVELOPMENTAL AND EPILEPTIC ENCEPHALOPATHY 94. Last evaluated: 2013-07-01. Review status: no assertion criteria provided. Collection method: literature only. Allele origin: germline. Not counted in ClinVar's aggregate classification.

Literature cited by the submitters: PubMed 29740950 (cited by Variantyx, Inc.); PubMed 23708187 (cited by Labcorp Genetics (formerly Invitae), Labcorp and OMIM); PubMed 29455050 (cited by Labcorp Genetics (formerly Invitae), Labcorp); PubMed 24207121 (cited by Labcorp Genetics (formerly Invitae), Labcorp).

NM_001271.4(CHD2):c.361C>T (p.Arg121Ter)

Gene: CHD2 (chromodomain helicase DNA binding protein 2; plus strand). Cytogenetic location: 15q26.1.
Variant type: single nucleotide variant.
Coding change: c.361C>T on transcript NM_001271.4 (MANE Select); coding-DNA position 361, C replaced by T.
Protein change: p.Arg121Ter; replaces arginine 121 with a stop codon.
Molecular consequence: nonsense.
Genome position (GRCh38, 1-based): chr15:92,927,310, C>T. VCF-style: chr15-92927310-C-T. GRCh37 (hg19) VCF-style: chr15-93470540-C-T.
Other names: c.361C>T, p.Arg121Ter (NM_001042572.3); short protein forms R121*.
Identifiers: ClinVar variation 60712 (VCV000060712.10), dbSNP rs397514740, ClinGen allele CA344793.
Genomic context (GRCh38, chr15:92,927,310, plus strand): 5'-GAAGAATATCCTGATGTTTATGGGGTCAGGCGGTCAAACCGAAGCAGACAAGAACCATCG[C>T]GATTTAATATTAAGGAAGAGGTAAGGAAAAAATGTTTTAAGGGCATGCATTTAAACTCCC-3'